The following is an entry in ClinVar:

ClinVar aggregate classification (germline): Uncertain significance (1 of 4 stars; one submission).

Submission:

Labcorp Genetics (formerly Invitae), Labcorp
Classification: Uncertain significance. Last evaluated: 2022-10-24. Review status: criteria provided, single submitter. Criteria: Invitae Variant Classification Sherloc (09022015). Collection method: clinical testing. Allele origin: germline.
Comment: This sequence change replaces glutamic acid, which is acidic and polar, with alanine, which is neutral and non-polar, at codon 1720 of the NBAS protein (p.Glu1720Ala). This variant is not present in population databases (gnomAD no frequency). This variant has not been reported in the literature in individuals affected with NBAS-related conditions. ClinVar contains an entry for this variant (Variation ID: 1507260). Advanced modeling of protein sequence and biophysical properties (such as structural, functional, and spatial information, amino acid conservation, physicochemical variation, residue mobility, and thermodynamic stability) performed at Invitae indicates that this missense variant is not expected to disrupt NBAS protein function. In summary, the available evidence is currently insufficient to determine the role of this variant in disease. Therefore, it has been classified as a Variant of Uncertain Significance.

NM_015909.4(NBAS):c.5159A>C (p.Glu1720Ala)

Gene: NBAS (NBAS subunit of NRZ tethering complex; minus strand). Cytogenetic location: 2p24.3.
Variant type: single nucleotide variant.
Coding change: c.5159A>C on transcript NM_015909.4 (MANE Select); coding-DNA position 5159, A replaced by C.
Protein change: p.Glu1720Ala; replaces glutamic acid 1720 with alanine.
Molecular consequence: missense variant. On other transcripts: non-coding transcript variant (1).
Genome position (GRCh38, 1-based): chr2:15,277,081, T>G on the plus strand (A>C on the coding strand, the complement: NBAS is on the minus strand). VCF-style: chr2-15277081-T-G. GRCh37 (hg19) VCF-style: chr2-15417205-T-G.
Other names: short protein forms E1720A.
Identifiers: ClinVar variation 1507260 (VCV001507260.5), dbSNP rs2148059596, ClinGen allele CA345884521.
Genomic context (GRCh38, chr2:15,277,081, plus strand): 5'-TGAAAGGCTTCTGGATCAGTCTTCAAAGTCTCAAAGAGATGAAGGTCTTGGGCTCTATTT[T>G]CAATTTCTAGTGTGGACAAACTGAAATTAAGAGCCAAAGGAACTGTGTTAAGATTTTGTT-3'
Protein context (NP_056993.2, residues 1710-1730): TDSGLSTLEI[Glu1720Ala]NRAQDLHLFE